The following is an entry in ClinVar:

NM_015272.5(RPGRIP1L):c.3650A>G (p.Lys1217Arg)

Gene: RPGRIP1L (RPGRIP1 like; minus strand). Cytogenetic location: 16q12.2.
Variant type: single nucleotide variant.
Coding change: c.3650A>G on transcript NM_015272.5 (MANE Select); coding-DNA position 3650, A replaced by G.
Protein change: p.Lys1217Arg; replaces lysine 1217 with arginine.
Molecular consequence: missense variant.
Genome position (GRCh38, 1-based): chr16:53,611,018, T>C on the plus strand (A>G on the coding strand, the complement: RPGRIP1L is on the minus strand). VCF-style: chr16-53611018-T-C. GRCh37 (hg19) VCF-style: chr16-53644930-T-C.
Other names: c.3410A>G, p.Lys1137Arg (NM_001127897.4); c.3512A>G, p.Lys1171Arg (NM_001308334.3); c.3548A>G, p.Lys1183Arg (NM_001330538.2); short protein forms K1137R, K1171R, K1183R, K1217R.
Identifiers: ClinVar variation 4995293 (VCV004995293.1).

ClinVar aggregate classification (germline): Uncertain significance (1 of 4 stars; one submission).

Conditions:
RPGRIP1L-related disorder. Also called: RPGRIP1L-related condition; RPGRIP1L-related disorders. Identifiers: MedGen CN239416.

gnomAD v4.1: 1 of 1,613,558 alleles (0.000062%); highest among the groups gnomAD compares: East Asian, 0.0022%; no homozygotes.

Submission:

PreventionGenetics, part of Exact Sciences
Classification: Uncertain significance for RPGRIP1L-related condition. Last evaluated: 2025-12-11. Review status: criteria provided, single submitter. Criteria: ACMG Guidelines, 2015. Collection method: clinical testing. Allele origin: germline.
Comment: The RPGRIP1L c.3650A>G variant is predicted to result in the amino acid substitution p.Lys1217Arg. To our knowledge, this variant has not been reported in the literature. This variant is reported in 0.0054% of alleles in individuals of East Asian descent in gnomAD. At this time, the clinical significance of this variant is uncertain due to the absence of conclusive functional and genetic evidence.